The following is an entry in ClinVar:

ClinVar aggregate classification (germline): Likely benign. Review status: criteria provided, multiple submitters, no conflicts (2 of 4 stars). 2 submissions from 2 submitters: Likely benign (2). Last evaluated 2026-02-01.

Allele frequency attached by ClinVar (database versions not stated): ExAC 0.00005; gnomAD 0.00005; TOPMed 0.00005.
gnomAD v4.1: 92 of 1,612,922 alleles (0.0057%); highest among the groups gnomAD compares: Middle Eastern, 0.13%; no homozygotes.

Submissions (2):

CeGaT Center for Human Genetics Tuebingen
Classification: Likely benign. Last evaluated: 2026-02-01. Review status: criteria provided, single submitter. Criteria: CeGaT Center For Human Genetics Tuebingen Variant Classification Criteria Version 2. Collection method: clinical testing. Allele origin: germline. Affected: yes. Observed: 4 variant alleles.
Comment: CDH15: BP4

Blueprint Genetics
Classification: Likely benign. Last evaluated: 2024-10-15. Review status: criteria provided, single submitter. Criteria: ACMG Guidelines, 2015. Collection method: clinical testing. Allele origin: germline.

NM_004933.3(CDH15):c.823G>A (p.Gly275Arg)

Gene: CDH15 (cadherin 15; plus strand). Cytogenetic location: 16q24.3.
Variant type: single nucleotide variant.
Coding change: c.823G>A on transcript NM_004933.3 (MANE Select); coding-DNA position 823, G replaced by A.
Protein change: p.Gly275Arg; replaces glycine 275 with arginine.
Molecular consequence: missense variant.
Genome position (GRCh38, 1-based): chr16:89,188,130, G>A. VCF-style: chr16-89188130-G-A. GRCh37 (hg19) VCF-style: chr16-89254538-G-A.
Other names: short protein forms G275R.
Identifiers: ClinVar variation 2647025 (VCV002647025.25), dbSNP rs774650059, ClinGen allele CA8239017.